The following is an entry in ClinVar:

NM_001371623.1(TCOF1):c.108G>A (p.Gln36=)

Gene: TCOF1 (treacle ribosome biogenesis factor 1; plus strand). Cytogenetic location: 5q32.
Variant type: single nucleotide variant.
Coding change: c.108G>A on transcript NM_001371623.1 (MANE Select); coding-DNA position 108, G replaced by A.
Protein change: p.Gln36=; no amino-acid change (glutamine 36 retained).
Molecular consequence: synonymous variant.
Genome position (GRCh38, 1-based): chr5:150,357,854, G>A. VCF-style: chr5-150357854-G-A. GRCh37 (hg19) VCF-style: chr5-149737417-G-A.
Other names: c.108G>A, p.Gln36= (NM_000356.4, NM_001008657.3, NM_001135243.2 and 3 more transcripts).
Identifiers: ClinVar variation 2854826 (VCV002854826.3), dbSNP rs2150346312, ClinGen allele CA447155914.

ClinVar aggregate classification (germline): Uncertain significance (1 of 4 stars; one submission).

Conditions:
Treacher Collins syndrome 1 (TCS1). Also called: TCOF1-Related Treacher Collins Syndrome. Identifiers: Orphanet 861, MedGen CN315775, MONDO:0007944, OMIM 154500.

Allele frequency attached by ClinVar (database versions not stated): gnomAD 0.00001; 1000 Genomes Project 30x 0.00016.

Submission:

Labcorp Genetics (formerly Invitae), Labcorp
Classification: Uncertain significance for Treacher Collins syndrome 1. Last evaluated: 2023-09-20. Review status: criteria provided, single submitter. Criteria: Invitae Variant Classification Sherloc (09022015). Collection method: clinical testing. Allele origin: germline.
Comment: In summary, the available evidence is currently insufficient to determine the role of this variant in disease. Therefore, it has been classified as a Variant of Uncertain Significance. Variants that disrupt the consensus splice site are a relatively common cause of aberrant splicing (PMID: 17576681, 9536098). Algorithms developed to predict the effect of sequence changes on RNA splicing suggest that this variant may create or strengthen a splice site. This variant has been observed in at least one individual who was not affected with TCOF1-related conditions (Invitae). This variant has not been reported in the literature in individuals affected with TCOF1-related conditions. This variant is not present in population databases (gnomAD no frequency). This sequence change affects codon 36 of the TCOF1 mRNA. It is a 'silent' change, meaning that it does not change the encoded amino acid sequence of the TCOF1 protein. This variant also falls at the last nucleotide of exon 1, which is part of the consensus splice site for this exon.

Literature cited by the submitters: PubMed 17576681; PubMed 9536098.